The following is an entry in ClinVar:

NM_003886.3(AKAP4):c.26T>C (p.Met9Thr)

Gene: AKAP4 (A-kinase anchoring protein 4; minus strand). Cytogenetic location: Xp11.22.
Variant type: single nucleotide variant.
Coding change: c.26T>C on transcript NM_003886.3 (MANE Select); coding-DNA position 26, T replaced by C.
Protein change: p.Met9Thr; replaces methionine 9 with threonine.
Molecular consequence: missense variant.
Genome position (GRCh38, 1-based): chrX:50,200,864, A>G on the plus strand (T>C on the coding strand, the complement: AKAP4 is on the minus strand). VCF-style: chrX-50200864-A-G. GRCh37 (hg19) VCF-style: chrX-49965515-A-G.
Other names: short protein forms M9T.
Identifiers: ClinVar variation 4085454 (VCV004085454.8).
Genomic context (GRCh38, chrX:50,200,864, plus strand): 5'-TTTCACCTCACCATTAAGATGCCCCCTTAGCTAGTCAAAAAGAAGTCAGATGTCCCTACC[A>G]TTGTAGTATCAGAGTACGCCATCATGTAGGACCCTGGAATGATGTTTTCTTGTTGATTTG-3'
Protein context (NP_003877.2, residues 1-19): MMAYSDTT[Met9Thr]MSDDIDWLRS

ClinVar aggregate classification (germline): Uncertain significance (1 of 4 stars; one submission).

Submission:

CeGaT Center for Human Genetics Tuebingen
Classification: Uncertain significance. Last evaluated: 2025-07-01. Review status: criteria provided, single submitter. Criteria: CeGaT Center For Human Genetics Tuebingen Variant Classification Criteria Version 2. Collection method: clinical testing. Allele origin: germline. Affected: yes. Observed: 1 variant allele.
Comment: AKAP4: PM2, BP4